The following is an entry in ClinVar:

ClinVar aggregate classification (germline): Uncertain significance (1 of 4 stars; one submission).

Conditions:
Autosomal dominant Parkinson disease 8. Also called: LRRK2-Related Parkinson Disease; Parkinson disease 8; Parkinson disease 8, susceptibility to. Identifiers: Orphanet 411602, MedGen C1846862, MONDO:0011764, OMIM 607060.

Allele frequency attached by ClinVar (database versions not stated): gnomAD exomes below 0.00001; gnomAD 0.00001; TOPMed 0.00003; ESP Exome Variant Server 0.00008.
gnomAD v4.1: 6 of 1,613,558 alleles (0.00037%); highest among the groups gnomAD compares: Admixed American, 0.0017%; no homozygotes.

Submission:

Labcorp Genetics (formerly Invitae), Labcorp
Classification: Uncertain significance for Autosomal dominant Parkinson disease 8. Last evaluated: 2022-02-01. Review status: criteria provided, single submitter. Criteria: Invitae Variant Classification Sherloc (09022015). Collection method: clinical testing. Allele origin: germline.
Comment: This missense change has been observed in individual(s) with Parkinson disease (PMID: 33640967). In summary, the available evidence is currently insufficient to determine the role of this variant in disease. Therefore, it has been classified as a Variant of Uncertain Significance. Algorithms developed to predict the effect of missense changes on protein structure and function are either unavailable or do not agree on the potential impact of this missense change (SIFT: "Tolerated"; PolyPhen-2: "Probably Damaging"; Align-GVGD: "Class C0"). This variant is not present in population databases (gnomAD no frequency). This sequence change replaces glycine, which is neutral and non-polar, with glutamic acid, which is acidic and polar, at codon 1900 of the LRRK2 protein (p.Gly1900Glu).

Literature cited by the submitters: PubMed 33640967.

NM_198578.4(LRRK2):c.5699G>A (p.Gly1900Glu)

Gene: LRRK2 (leucine rich repeat kinase 2; plus strand). Cytogenetic location: 12q12.
Variant type: single nucleotide variant.
Coding change: c.5699G>A on transcript NM_198578.4 (MANE Select); coding-DNA position 5699, G replaced by A.
Protein change: p.Gly1900Glu; replaces glycine 1900 with glutamic acid.
Molecular consequence: missense variant.
Genome position (GRCh38, 1-based): chr12:40,328,402, G>A. VCF-style: chr12-40328402-G-A. GRCh37 (hg19) VCF-style: chr12-40722204-G-A.
Other names: short protein forms G1900E.
Identifiers: ClinVar variation 1902846 (VCV001902846.5), dbSNP rs201752951, ClinGen allele CA235323715.
Genomic context (GRCh38, chr12:40,328,402, plus strand): 5'-GTATTTTCTTTTCAAAAGGTGATGGCAGTTTTGGATCAGTTTACCGAGCAGCCTATGAAG[G>A]AGAAGAAGTGGCTGTGAAGATTTTTAATAAACATACATCACTCAGGCTGTTAAGACAAGT-3'
Protein context (NP_940980.4, residues 1890-1910): FGSVYRAAYE[Gly1900Glu]EEVAVKIFNK